The following is an entry in ClinVar:

NM_000059.4(BRCA2):c.7787G>A (p.Gly2596Glu)

Gene: BRCA2 (BRCA2 DNA repair associated; plus strand). Cytogenetic location: 13q13.1.
Variant type: single nucleotide variant.
Coding change: c.7787G>A on transcript NM_000059.4 (MANE Select); coding-DNA position 7787, G replaced by A.
Protein change: p.Gly2596Glu; replaces glycine 2596 with glutamic acid.
Molecular consequence: missense variant.
Genome position (GRCh38, 1-based): chr13:32,357,911, G>A. VCF-style: chr13-32357911-G-A. GRCh37 (hg19) VCF-style: chr13-32932048-G-A.
Other names: NM_000059.4(BRCA2):c.7787G>A; p.Gly2596Glu; short protein forms G2596E.
Identifiers: ClinVar variation 421439 (VCV000421439.20), dbSNP rs1064795140, ClinGen allele CA16619771.
Genomic context (GRCh38, chr13:32,357,911, plus strand): 5'-GAAAAGGAATACAGTTGGCTGATGGTGGATGGCTCATACCCTCCAATGATGGAAAGGCTG[G>A]AAAAGAAGAATTTTATAGGTACTCTATGCAAAAAGATTGTGTGTTAACTTTTATGTATTC-3'
Protein context (NP_000050.3, residues 2586-2606): WLIPSNDGKA[Gly2596Glu]KEEFYRALCD

ClinVar aggregate classification (germline): Likely pathogenic. Review status: reviewed by expert panel (3 of 4 stars). 5 submissions from 5 submitters: Likely pathogenic (1). 4 of the submissions do not count toward it. Last evaluated 2025-08-18.

Conditions:
Hereditary breast ovarian cancer syndrome. Also called: Hereditary breast and ovarian cancer; Hereditary breast and/or ovarian cancer syndrome; Hereditary breast and ovarian cancer syndrome; Hereditary breast and ovarian cancer syndrome (HBOC); Breast and ovarian cancer; BRCA1- and BRCA2-Associated Hereditary Breast and Ovarian Cancer. Identifiers: Orphanet 145, MedGen C0677776, MeSH D061325, MONDO:0003582. Disease mechanism: loss of function.
BRCA2-related cancer predisposition. Identifiers: MedGen CN377758, MONDO:0700269.
Hereditary cancer-predisposing syndrome. Also called: Hereditary neoplastic syndrome; Tumor predisposition; Neoplastic Syndromes, Hereditary; Hereditary Cancer Syndrome. Identifiers: Orphanet 140162, MedGen C0027672, MeSH D009386, MONDO:0015356.

Submissions (5):

ClinGen ENIGMA BRCA1 and BRCA2 Variant Curation Expert Panel, ClinGen
Classification: Likely pathogenic for BRCA2-related cancer predisposition. Last evaluated: 2025-08-18. Review status: reviewed by expert panel. Criteria: CSpec BRCA1/2ACMG Rules Specifications V1.2. Collection method: curation. Allele origin: germline. Inheritance: Autosomal dominant inheritance.
Comment: The c.7787G>A variant in BRCA2 is a missense variant predicted to cause substitution of Glycine by Glutamic Acid at amino acid 2596 (p.(Gly2596Glu)). This variant is absent from gnomAD v2.1 (exomes only, non-cancer subset, read depth ≥25) and gnomAD v3.1 (non-cancer subset, read depth ≥25) (PM2_Supporting met). Reported by four calibrated studies to exhibit protein function similar to pathogenic control variants (PMIDs:38417439, 39779848, 39779857, 33293522) (PS3 met). This BRCA2 missense variant is within a key functional domain and the computational predictor BayesDel (noAF) gives a score of 0.46, above the recommended threshold of 0.30 for prediction of impact on BRCA2 function via protein change. A SpliceAI score of 0.02 predicts no impact on splicing (score threshold <0.10) (PP3 met). In summary, this variant meets the criteria to be classified as a Likely pathogenic variant for BRCA2-related cancer predisposition based on the ACMG/AMP criteria applied as specified by the ENIGMA BRCA1/2 VCEP (PM2_Supporting, PS3, PP3).

Ambry Genetics
Classification: Likely pathogenic for Hereditary cancer-predisposing syndrome. Last evaluated: 2024-12-12. Review status: criteria provided, single submitter. Criteria: Ambry Variant Classification Scheme 2023. Collection method: clinical testing. Allele origin: germline. Not counted in ClinVar's aggregate classification.
Comment: The p.G2596E variant (also known as c.7787G>A), located in coding exon 15 of the BRCA2 gene, results from a G to A substitution at nucleotide position 7787. The glycine at codon 2596 is replaced by glutamic acid, an amino acid with similar properties. This variant was non-functional in multiple homology-directed DNA repair (HDR) assays (Guidugli L et al. Am. J. Hum. Genet., 2018 02;102:233-248; Richardson ME et al. Am J Hum Genet, 2021 Mar;108:458-468). Another study found this variant to be likely benign based on multifactorial analysis, which was largely driven by a co-occurrence likelihood ratio based on work by Easton et al. (Lee JS et al. J. Med. Genet., 2018 12;55:794-802). The Easton multifactorial model considers a strong odds against pathogenicity for variants identified in a compound heterozygous state in individuals without biallelic disease (Easton DF et al. Am. J. Hum. Genet., 2007 Nov;81:873-83). The co-occurrence reported in Lee et al. is with a pathogenic BRCA1 variant and is considered double heterozygosity rather than compound heterozygosity (Lee JS et al. J. Med. Genet., 2018 12;55:794-802; personal communication). Double heterozygous carriers, although rare, are not appreciably different than those carrying a single pathogenic mutation in BRCA1 or BRCA2 (Vietri MT et al. Clin. Chem. Lab. Med., 2013 Dec;51:2319-24; Heidemann S et al. Breast Cancer Res. Treat., 2012 Aug;134:1229-39; Tsongalis GJ et al. Arch. Pathol. Lab. Med., 1998 Jun;122:548-50). This amino acid position is highly conserved in available vertebrate species. In addition, this alteration is predicted to be deleterious by in silico analysis. This variant is considered to be rare based on population cohorts in the Genome Aggregation Database (gnomAD). Based on the majority of available evidence to date, this variant is likely to be pathogenic.

GeneDx
Classification: Likely pathogenic. Last evaluated: 2024-11-18. Review status: criteria provided, single submitter. Criteria: GeneDx Variant Classification Process June 2021. Collection method: clinical testing. Allele origin: germline. Affected: yes. Not counted in ClinVar's aggregate classification.
Comment: Published functional studies demonstrate a damaging effect: impaired homology-directed repair activity (PMID: 29394989, 35736817, 35665744, 29884841, 33293522); Observed in an individual with breast cancer (PMID: 31786208); Not observed at significant frequency in large population cohorts (gnomAD); In silico analysis indicates that this missense variant does not alter protein structure/function; Also known as 8015G>A; This variant is associated with the following publications: (PMID: 29394989, 30415210, 36243179, 29884841, 33609447, 12228710, 35736817, 35665744, 33293522, 35150867, 31409081, 31786208)

Labcorp Genetics (formerly Invitae), Labcorp
Classification: Uncertain significance for Hereditary breast ovarian cancer syndrome. Last evaluated: 2023-07-17. Review status: criteria provided, single submitter. Criteria: Invitae Variant Classification Sherloc (09022015). Collection method: clinical testing. Allele origin: germline. Not counted in ClinVar's aggregate classification.
Comment: This variant has not been reported in the literature in individuals affected with BRCA2-related conditions. In summary, the available evidence is currently insufficient to determine the role of this variant in disease. Therefore, it has been classified as a Variant of Uncertain Significance. Experimental studies have shown that this missense change affects BRCA2 function (PMID: 29394989). Advanced modeling performed at Invitae incorporating data from internal and/or published experimental studies (PMID: 33609447) indicates that this missense variant is expected to disrupt BRCA2 function. ClinVar contains an entry for this variant (Variation ID: 421439). This variant is not present in population databases (gnomAD no frequency). This sequence change replaces glycine, which is neutral and non-polar, with glutamic acid, which is acidic and polar, at codon 2596 of the BRCA2 protein (p.Gly2596Glu).

Cancer Variant Interpretation Group UK, Institute of Cancer Research, London
Classification: Likely pathogenic for Hereditary Breast and Ovarian Cancer. Last evaluated: 2018-11-18. Review status: criteria provided, single submitter. Criteria: ACMG Guidelines, 2015. Collection method: curation. Allele origin: germline. Not counted in ClinVar's aggregate classification.
Comment: Data used in classification: The frequency of this variant is 0/138,632 individuals (gnomAD) (PM2_mod). This variant is predicted to be deleterious on AlignGVGD (class: C65), SIFT (Deleterious), Polyphen2 HumVar (probably damaging) and CADD (24.4) (PP3_sup). The variant is in the DNA-binding domain of BRCA2 (PM1_sup). In the VarCall Bayesian statistical model for VUS classification using functional assay data (Guidugli et al Am J Hum Genet 2018; 102:233-248, Couch Lab), the variant has a probability of being deleterious of 0.995 and an overall classification of pathogenic (PS3_strong). Data not used in classification: There are additional reports of this variant in ClinVar as Uncertain Significance.

Literature cited by the submitters: PubMed 17924331 (cited by Ambry Genetics); PubMed 22535016 (cited by Ambry Genetics); PubMed 23940062 (cited by Ambry Genetics); PubMed 29394989 (cited by 3 submitters); PubMed 30415210 (cited by Ambry Genetics); PubMed 31409081 (cited by Ambry Genetics); PubMed 33609447 (cited by Ambry Genetics and Labcorp Genetics (formerly Invitae), Labcorp); PubMed 35736817 (cited by Ambry Genetics); PubMed 9625424 (cited by Ambry Genetics).